The following is an entry in ClinVar:

NM_007294.4(BRCA1):c.5468-1G>T

Gene: BRCA1 (BRCA1 DNA repair associated; minus strand). Cytogenetic location: 17q21.31.
Variant type: single nucleotide variant.
Coding change: c.5468-1G>T on transcript NM_007294.4 (MANE Select); the canonical splice acceptor site of the intron before coding-DNA position 5468, G replaced by T.
Molecular consequence: splice acceptor variant.
Genome position (GRCh38, 1-based): chr17:43,045,803, C>A on the plus strand (G>T on the coding strand, the complement: BRCA1 is on the minus strand). VCF-style: chr17-43045803-C-A. GRCh37 (hg19) VCF-style: chr17-41197820-C-A.
Other names: c.2036-1G>T (NM_001408425.1, NM_001408427.1, NM_001408428.1 and 4 more transcripts); c.5339-1G>T (NM_001407681.1, NM_001407689.1, NM_001407682.1 and 6 more transcripts); c.5342-1G>T (NM_001407675.1, NM_001407680.1, NM_001407672.1 and 8 more transcripts); c.5345-1G>T (NM_001407664.1, NM_001407668.1, NM_001407666.1 and 3 more transcripts); c.5411-1G>T (NM_001407648.1); c.2042-1G>T (NM_001408419.1, NM_001408418.1, NM_001408420.1); c.2153-1G>T (NM_001408403.1, NM_001408398.1, NM_001408402.1 and 7 more transcripts); c.2156-1G>T (NM_001407983.1, NM_001407991.1, NM_001407992.1 and 10 more transcripts); and 83 more.
Identifiers: ClinVar variation 864908 (VCV000864908.3), dbSNP rs80358048, ClinGen allele CA055116.

Conditions:
Breast-ovarian cancer, familial, susceptibility to, 1 (BROVCA1). Also called: BRCA1 Hereditary Breast and Ovarian Cancer; OVARIAN CANCER, SUSCEPTIBILITY TO. Identifiers: Orphanet 145, MedGen C2676676, MONDO:0011450, OMIM 604370. Disease mechanism: loss of function.

Allele frequency attached by ClinVar (database versions not stated): gnomAD exomes below 0.00001; ExAC 0.00001.
gnomAD v4.1: 1 of 1,614,146 alleles (0.000062%); highest among the groups gnomAD compares: Non-Finnish European, 0.000085%; no homozygotes.

Submission:

Brotman Baty Institute, University of Washington
No classification provided (evidence only). Condition: Breast-ovarian cancer, familial 1. Review status: no classification provided. Collection method: in vitro. Allele origin: not applicable. Functional consequence: functionally_abnormal.
ClinVar note: "not provided" was previously submitted as the classification for the variant. However, the classification appeared to be based only on an observation of functional data so it was converted to no classification on 2025-07-30.